The following is an entry in ClinVar:

ClinVar aggregate classification (germline): Pathogenic/Likely pathogenic. Review status: criteria provided, multiple submitters, no conflicts (2 of 4 stars). 3 submissions from 3 submitters: Pathogenic (1); Likely pathogenic (2). Last evaluated 2025-01-21.

Conditions:
Pontocerebellar hypoplasia type 6 (PCH6). Identifiers: Orphanet 166073, MedGen C1969084, MONDO:0012683, OMIM 611523.

Allele frequency attached by ClinVar (database versions not stated): gnomAD exomes below 0.00001; TOPMed 0.00001.
gnomAD v4.1: 3 of 1,585,222 alleles (0.00019%); highest among the groups gnomAD compares: Non-Finnish European, 0.00026%; no homozygotes.

Submissions (3):

Labcorp Genetics (formerly Invitae), Labcorp
Classification: Likely pathogenic. Last evaluated: 2025-01-21. Review status: criteria provided, single submitter. Criteria: Invitae Variant Classification Sherloc (09022015). Collection method: clinical testing. Allele origin: germline.
Comment: This sequence change replaces arginine, which is basic and polar, with cysteine, which is neutral and slightly polar, at codon 258 of the RARS2 protein (p.Arg258Cys). This variant is not present in population databases (gnomAD no frequency). This variant has not been reported in the literature in individuals affected with RARS2-related conditions. ClinVar contains an entry for this variant (Variation ID: 215079). Invitae Evidence Modeling of protein sequence and biophysical properties (such as structural, functional, and spatial information, amino acid conservation, physicochemical variation, residue mobility, and thermodynamic stability) indicates that this missense variant is expected to disrupt RARS2 protein function with a positive predictive value of 95%. This variant disrupts the p.Arg258 amino acid residue in RARS2. Other variant(s) that disrupt this residue have been determined to be pathogenic (PMID: 24047924, 33209735). This suggests that this residue is clinically significant, and that variants that disrupt this residue are likely to be disease-causing. In summary, the currently available evidence indicates that the variant is pathogenic, but additional data are needed to prove that conclusively. Therefore, this variant has been classified as Likely Pathogenic.

Palindrome, Gene Kavoshgaran Aria
Classification: Pathogenic for Pontocerebellar hypoplasia type 6. Last evaluated: 2024-06-07. Review status: criteria provided, single submitter. Criteria: ACMG Guidelines, 2015. Collection method: clinical testing. Allele origin: germline. Inheritance: Autosomal recessive inheritance. Affected: yes. Observed: 1 homozygote.

GeneDx
Classification: Likely pathogenic. Last evaluated: 2013-01-25. Review status: criteria provided, single submitter. Criteria: GeneDx Variant Classification (06012015). Collection method: clinical testing. Allele origin: germline. Affected: yes.
Comment: p.Arg258Cys (CGT>TGT): c.772 C>T in exon 10 of the RARS2 gene (NM_020320.3) A R258C missense change that is likely pathogenic was identified in the RARS2 gene. It has not been published as a mutation, nor has it been reported as a benign polymorphism to our knowledge. The amino acid change is non-conservative in that a positively charged Arginine residue is replaced by an uncharged Cysteine residue. This change occurs at a position in the RARS2 protein that is conserved in mammals and multiple in-silico analysis programs predict that R258C is damaging to the RARS2 protein. Therefore, R258C is a strong candidate for a disease-causing mutation, however the possibility that it is a benign variant cannot be excluded. The variant is found in MITONUC-MITOP panel(s).

Literature cited by the submitters: PubMed 24047924 (cited by Labcorp Genetics (formerly Invitae), Labcorp); PubMed 33209735 (cited by Labcorp Genetics (formerly Invitae), Labcorp).

NM_020320.5(RARS2):c.772C>T (p.Arg258Cys)

Gene: RARS2 (arginyl-tRNA synthetase 2, mitochondrial; minus strand). Cytogenetic location: 6q15.
Variant type: single nucleotide variant.
Coding change: c.772C>T on transcript NM_020320.5 (MANE Select); coding-DNA position 772, C replaced by T.
Protein change: p.Arg258Cys; replaces arginine 258 with cysteine.
Molecular consequence: missense variant. On other transcripts: non-coding transcript variant (23).
Genome position (GRCh38, 1-based): chr6:87,529,648, G>A on the plus strand (C>T on the coding strand, the complement: RARS2 is on the minus strand). VCF-style: chr6-87529648-G-A. GRCh37 (hg19) VCF-style: chr6-88239366-G-A.
Other names: p.R258C:CGT>TGT; c.247C>T, p.Arg83Cys (NM_001318785.2, NM_001350506.2, NM_001350507.2 and 4 more transcripts); c.772C>T, p.Arg258Cys (NM_001350505.2); short protein forms R258C, R83C.
Identifiers: ClinVar variation 215079 (VCV000215079.5), dbSNP rs863224186, ClinGen allele CA320574.